The following is an entry in ClinVar:

ClinVar aggregate classification (germline): Likely benign. Review status: criteria provided, single submitter (1 of 4 stars). 2 submissions from 2 submitters: Likely benign (1). 1 of the submissions does not count toward it. Last evaluated 2026-02-02.

Conditions:
ALG1-related disorder. Also called: ALG1-related condition.
ALG1-congenital disorder of glycosylation. Also called: CONGENITAL DISORDER OF GLYCOSYLATION, TYPE Ik; ALG1-CDG; CDG Ik. Identifiers: Orphanet 79327, MedGen C2931005, MONDO:0012052, OMIM 608540.

Allele frequency attached by ClinVar (database versions not stated): gnomAD 0.00002; gnomAD exomes 0.00002; ExAC 0.00003; TOPMed 0.00003.
gnomAD v4.1: 30 of 1,608,004 alleles (0.0019%); highest among the groups gnomAD compares: East Asian, 0.022%; no homozygotes.

Submissions (2):

Labcorp Genetics (formerly Invitae), Labcorp
Classification: Likely benign for ALG1-congenital disorder of glycosylation. Last evaluated: 2026-02-02. Review status: criteria provided, single submitter. Criteria: Invitae Variant Classification Sherloc (09022015). Collection method: clinical testing. Allele origin: germline.

PreventionGenetics, part of Exact Sciences
Classification: Likely benign for ALG1-related condition. Last evaluated: 2022-07-11. Review status: no assertion criteria provided. Collection method: clinical testing. Allele origin: germline. Not counted in ClinVar's aggregate classification.
Comment: This variant is classified as likely benign based on ACMG/AMP sequence variant interpretation guidelines (Richards et al. 2015 PMID: 25741868, with internal and published modifications).

NM_019109.5(ALG1):c.645C>T (p.Tyr215=)

Gene: ALG1 (ALG1 chitobiosyldiphosphodolichol beta-mannosyltransferase; plus strand). Cytogenetic location: 16p13.3.
Variant type: single nucleotide variant.
Coding change: c.645C>T on transcript NM_019109.5 (MANE Select); coding-DNA position 645, C replaced by T.
Protein change: p.Tyr215=; no amino-acid change (tyrosine 215 retained).
Molecular consequence: synonymous variant.
Genome position (GRCh38, 1-based): chr16:5,077,922, C>T. VCF-style: chr16-5077922-C-T. GRCh37 (hg19) VCF-style: chr16-5127923-C-T.
Other names: c.312C>T, p.Tyr104= (NM_001330504.2); c.645C>T (NM_019109.4).
Identifiers: ClinVar variation 2419337 (VCV002419337.9), dbSNP rs753904901, ClinGen allele CA7889948.